The following is an entry in ClinVar:

ClinVar aggregate classification (germline): Uncertain significance (1 of 4 stars; one submission).

Conditions:
Nephronophthisis. Also called: Juvenile Nephronophthisis. Identifiers: Orphanet 655, MedGen C0687120, MONDO:0019005, HP:0000090.

Submission:

Labcorp Genetics (formerly Invitae), Labcorp
Classification: Uncertain significance for Nephronophthisis. Last evaluated: 2020-08-08. Review status: criteria provided, single submitter. Criteria: Invitae Variant Classification Sherloc (09022015). Collection method: clinical testing. Allele origin: germline.
Comment: In summary, the available evidence is currently insufficient to determine the role of this variant in disease. Therefore, it has been classified as a Variant of Uncertain Significance. Algorithms developed to predict the effect of missense changes on protein structure and function are either unavailable or do not agree on the potential impact of this missense change (SIFT: "Deleterious"; PolyPhen-2: "Possibly Damaging"; Align-GVGD: "Class C0"). This variant has not been reported in the literature in individuals with NPHP3-related conditions. This variant is not present in population databases (ExAC no frequency). This sequence change replaces leucine with arginine at codon 700 of the NPHP3 protein (p.Leu700Arg). The leucine residue is highly conserved and there is a moderate physicochemical difference between leucine and arginine.

NM_153240.5(NPHP3):c.2099T>G (p.Leu700Arg)

Genes: NPHP3 (nephrocystin 3; minus strand), NPHP3-ACAD11 (NPHP3-ACAD11 readthrough (NMD candidate); minus strand). Cytogenetic location: 3q22.1.
Variant type: single nucleotide variant.
Coding change: c.2099T>G on transcript NM_153240.5 (MANE Select); coding-DNA position 2099, T replaced by G.
Protein change: p.Leu700Arg; replaces leucine 700 with arginine.
Molecular consequence: missense variant. On other transcripts: non-coding transcript variant (1).
Genome position (GRCh38, 1-based): chr3:132,696,803, A>C on the plus strand (T>G on the coding strand, the complement: NPHP3 is on the minus strand). VCF-style: chr3-132696803-A-C. GRCh37 (hg19) VCF-style: chr3-132415647-A-C.
Other names: short protein forms L700R.
Identifiers: ClinVar variation 1013932 (VCV001013932.8), dbSNP rs1939465838, ClinGen allele CA354582077.
Genomic context (GRCh38, chr3:132,696,803, plus strand): 5'-TTGCCGAAAAGGGTGACATAAAGGGCATTGCAGGTTGTAGCAGAACGACAGTGTCGTTCT[A>C]GCTTCTTCTCCTGCACCAGTTTACCAAGAAAAACAAAACAGAAATACAAAAACCACCCTG-3'
Protein context (NP_694972.3, residues 690-710): IKLSKEQEKK[Leu700Arg]ERHCRSATTC